The following is an entry in ClinVar:

ClinVar aggregate classification (germline): Uncertain significance. Review status: criteria provided, multiple submitters, no conflicts (2 of 4 stars). 3 submissions from 3 submitters: Uncertain significance (3). Last evaluated 2026-01-12.

Conditions:
Immunodeficiency 39 (IMD39). Identifiers: Orphanet 574918, MedGen C4225358, MONDO:0014597, OMIM 616345.

Allele frequency attached by ClinVar (database versions not stated): gnomAD 0.00001; TOPMed 0.00003; gnomAD exomes 0.00007; ESP Exome Variant Server 0.00008; ExAC 0.00015; 1000 Genomes Project 30x 0.00031.
gnomAD v4.1: 53 of 1,610,186 alleles (0.0033%); highest among the groups gnomAD compares: Non-Finnish European, 0.0044%; no homozygotes.

Submissions (3):

Labcorp Genetics (formerly Invitae), Labcorp
Classification: Uncertain significance for Immunodeficiency 39. Last evaluated: 2026-01-12. Review status: criteria provided, single submitter. Criteria: Invitae Variant Classification Sherloc (09022015). Collection method: clinical testing. Allele origin: germline.
Comment: This sequence change replaces glutamic acid, which is acidic and polar, with valine, which is neutral and non-polar, at codon 373 of the IRF7 protein (p.Glu373Val). This variant is present in population databases (rs376570562, gnomAD 0.02%). This missense change has been observed in individual(s) with severe influenza (PMID: 31172279). This variant is also known as c.992A>T (p.E331V). ClinVar contains an entry for this variant (Variation ID: 1513721). Invitae Evidence Modeling of protein sequence and biophysical properties (such as structural, functional, and spatial information, amino acid conservation, physicochemical variation, residue mobility, and thermodynamic stability) indicates that this missense variant is expected to disrupt IRF7 protein function with a positive predictive value of 80%. Experimental studies have shown that this missense change affects IRF7 function (PMID: 31172279). In summary, the available evidence is currently insufficient to determine the role of this variant in disease. Therefore, it has been classified as a Variant of Uncertain Significance.

Department of Pathology and Laboratory Medicine, Sinai Health System
Classification: Uncertain significance for Immunodeficiency 39. Last evaluated: 2023-12-18. Review status: criteria provided, single submitter. Criteria: ACMG Guidelines, 2015. Collection method: research. Allele origin: germline.

Fulgent Genetics
Classification: Uncertain significance for Immunodeficiency 39. Last evaluated: 2022-03-25. Review status: criteria provided, single submitter. Criteria: ACMG Guidelines, 2015. Collection method: clinical testing. Allele origin: unknown.

Literature cited by the submitters: PubMed 31172279 (cited by Labcorp Genetics (formerly Invitae), Labcorp).

NM_001572.5(IRF7):c.1079A>T (p.Glu360Val)

Gene: IRF7 (interferon regulatory factor 7; minus strand). Cytogenetic location: 11p15.5.
Variant type: single nucleotide variant.
Coding change: c.1079A>T on transcript NM_001572.5 (MANE Select); coding-DNA position 1079, A replaced by T.
Protein change: p.Glu360Val; replaces glutamic acid 360 with valine.
Molecular consequence: missense variant.
Genome position (GRCh38, 1-based): chr11:613,364, T>A on the plus strand (A>T on the coding strand, the complement: IRF7 is on the minus strand). VCF-style: chr11-613364-T-A. GRCh37 (hg19) VCF-style: chr11-613364-T-A.
Other names: c.992A>T, p.Glu331Val (NM_004029.4); c.1118A>T, p.Glu373Val (NM_004031.4); short protein forms E360V, E373V, E331V.
Identifiers: ClinVar variation 1513721 (VCV001513721.10), dbSNP rs376570562, ClinGen allele CA5783590.